The following is an entry in ClinVar:

NM_024589.3(ROGDI):c.508G>A (p.Glu170Lys)

Gene: ROGDI (rogdi atypical leucine zipper; minus strand). Cytogenetic location: 16p13.3.
Variant type: single nucleotide variant.
Coding change: c.508G>A on transcript NM_024589.3 (MANE Select); coding-DNA position 508, G replaced by A.
Protein change: p.Glu170Lys; replaces glutamic acid 170 with lysine.
Molecular consequence: missense variant. On other transcripts: non-coding transcript variant (1).
Genome position (GRCh38, 1-based): chr16:4,798,592, C>T on the plus strand (G>A on the coding strand, the complement: ROGDI is on the minus strand). VCF-style: chr16-4798592-C-T. GRCh37 (hg19) VCF-style: chr16-4848593-C-T.
Other names: c.508G>A (NM_024589.1); short protein forms E170K.
Identifiers: ClinVar variation 661571 (VCV000661571.8), dbSNP rs575700252, ClinGen allele CA277136857.
Genomic context (GRCh38, chr16:4,798,592, plus strand): 5'-CCCCTCTCCTGCAGCAGGGGCTGGCAGGGGCACTGACCGTGAGGCCGCTGGCGGCGATCT[C>T]GGGGAGGGTGAGGGTGGCGGGGGTGGTGAGCCGGTTTCGGGCTCTGGTCAGCTGCAGCAT-3'
Protein context (NP_078865.1, residues 160-180): LTTPATLTLP[Glu170Lys]IAASGLTRMF

ClinVar aggregate classification (germline): Uncertain significance. Review status: criteria provided, multiple submitters, no conflicts (2 of 4 stars). 2 submissions from 2 submitters: Uncertain significance (2). Last evaluated 2024-01-16.

Conditions:
Amelocerebrohypohidrotic syndrome (KTZS). Also called: KOHLSCHUTTER SYNDROME; Kohlschutter's syndrome; EPILEPSY AND YELLOW TEETH; EPILEPSY, DEMENTIA, AND AMELOGENESIS IMPERFECTA. Identifiers: Orphanet 1946, MedGen C0406740, MONDO:0009185, OMIM 226750.
Inborn genetic diseases. Identifiers: MedGen C0950123, MeSH D030342.

Allele frequency attached by ClinVar (database versions not stated): gnomAD 0.00001; TOPMed 0.00001; 1000 Genomes Project 0.00020; 1000 Genomes Project 30x 0.00031.

Submissions (2):

Ambry Genetics
Classification: Uncertain significance for Inborn genetic diseases. Last evaluated: 2024-01-16. Review status: criteria provided, single submitter. Criteria: Ambry Variant Classification Scheme 2023. Collection method: clinical testing. Allele origin: germline.

Labcorp Genetics (formerly Invitae), Labcorp
Classification: Uncertain significance for Amelocerebrohypohidrotic syndrome. Last evaluated: 2022-08-16. Review status: criteria provided, single submitter. Criteria: Invitae Variant Classification Sherloc (09022015). Collection method: clinical testing. Allele origin: germline.
Comment: In summary, the available evidence is currently insufficient to determine the role of this variant in disease. Therefore, it has been classified as a Variant of Uncertain Significance. Algorithms developed to predict the effect of missense changes on protein structure and function (SIFT, PolyPhen-2, Align-GVGD) all suggest that this variant is likely to be disruptive. ClinVar contains an entry for this variant (Variation ID: 661571). This variant has not been reported in the literature in individuals affected with ROGDI-related conditions. The frequency data for this variant in the population databases is considered unreliable, as metrics indicate poor data quality at this position in the gnomAD database. This sequence change replaces glutamic acid, which is acidic and polar, with lysine, which is basic and polar, at codon 170 of the ROGDI protein (p.Glu170Lys).